The following is an entry in ClinVar:

NM_022552.5(DNMT3A):c.416C>G (p.Pro139Arg)

Gene: DNMT3A (DNA methyltransferase 3 alpha; minus strand). Cytogenetic location: 2p23.3.
Variant type: single nucleotide variant.
Coding change: c.416C>G on transcript NM_022552.5 (MANE Select); coding-DNA position 416, C replaced by G.
Protein change: p.Pro139Arg; replaces proline 139 with arginine.
Molecular consequence: missense variant. On other transcripts: non-coding transcript variant (1).
Genome position (GRCh38, 1-based): chr2:25,282,473, G>C on the plus strand (C>G on the coding strand, the complement: DNMT3A is on the minus strand). VCF-style: chr2-25282473-G-C. GRCh37 (hg19) VCF-style: chr2-25505342-G-C.
Other names: c.416C>G, p.Pro139Arg (NM_001320892.2, NM_175629.2, NM_175630.1); short protein forms P139R.
Identifiers: ClinVar variation 3608583 (VCV003608583.2).

ClinVar aggregate classification (germline): Uncertain significance (1 of 4 stars; one submission).

Conditions:
Tatton-Brown-Rahman overgrowth syndrome. Also called: Tall stature-intellectual disability-facial dysmorphism syndrome; Tatton-Brown-Rahman syndrome. Identifiers: Orphanet 404443, MedGen C4014545, MONDO:0014382, OMIM 615879.

gnomAD v4.1: 3 of 1,613,092 alleles (0.00019%); highest among the groups gnomAD compares: South Asian, 0.0033%; 1 homozygote.

Submission:

Labcorp Genetics (formerly Invitae), Labcorp
Classification: Uncertain significance for Tatton-Brown-Rahman overgrowth syndrome. Last evaluated: 2025-01-06. Review status: criteria provided, single submitter. Criteria: Invitae Variant Classification Sherloc (09022015). Collection method: clinical testing. Allele origin: germline.
Comment: This sequence change replaces proline, which is neutral and non-polar, with arginine, which is basic and polar, at codon 139 of the DNMT3A protein (p.Pro139Arg). This variant is not present in population databases (gnomAD no frequency). This variant has not been reported in the literature in individuals affected with DNMT3A-related conditions. Invitae Evidence Modeling of protein sequence and biophysical properties (such as structural, functional, and spatial information, amino acid conservation, physicochemical variation, residue mobility, and thermodynamic stability) indicates that this missense variant is not expected to disrupt DNMT3A protein function with a negative predictive value of 95%. In summary, the available evidence is currently insufficient to determine the role of this variant in disease. Therefore, it has been classified as a Variant of Uncertain Significance.